The following is an entry in ClinVar:

ClinVar aggregate classification (germline): Uncertain significance (1 of 4 stars; one submission).

Allele frequency attached by ClinVar (database versions not stated): gnomAD exomes below 0.00001; TOPMed below 0.00001; gnomAD 0.00001.
gnomAD v4.1: 6 of 1,613,412 alleles (0.00037%); highest among the groups gnomAD compares: Non-Finnish European, 0.00051%; no homozygotes.

Submission:

Labcorp Genetics (formerly Invitae), Labcorp
Classification: Uncertain significance. Last evaluated: 2023-05-16. Review status: criteria provided, single submitter. Criteria: Invitae Variant Classification Sherloc (09022015). Collection method: clinical testing. Allele origin: germline.
Comment: This sequence change replaces lysine, which is basic and polar, with glutamic acid, which is acidic and polar, at codon 475 of the REST protein (p.Lys475Glu). In summary, the available evidence is currently insufficient to determine the role of this variant in disease. Therefore, it has been classified as a Variant of Uncertain Significance. An algorithm developed to predict the effect of missense changes on protein structure and function (PolyPhen-2) suggests that this variant is likely to be disruptive. This variant has not been reported in the literature in individuals affected with REST-related conditions. This variant is not present in population databases (gnomAD no frequency).

NM_005612.5(REST):c.1423A>G (p.Lys475Glu)

Gene: REST (RE1 silencing transcription factor; plus strand). Cytogenetic location: 4q12.
Variant type: single nucleotide variant.
Coding change: c.1423A>G on transcript NM_005612.5 (MANE Select); coding-DNA position 1423, A replaced by G.
Protein change: p.Lys475Glu; replaces lysine 475 with glutamic acid.
Molecular consequence: missense variant.
Genome position (GRCh38, 1-based): chr4:56,930,281, A>G. VCF-style: chr4-56930281-A-G. GRCh37 (hg19) VCF-style: chr4-57796447-A-G.
Other names: c.1423A>G, p.Lys475Glu (NM_001193508.2, NM_001363453.3); short protein forms K475E.
Identifiers: ClinVar variation 3016653 (VCV003016653.3), dbSNP rs1241455829, ClinGen allele CA357006584.